The following is an entry in ClinVar:

ClinVar aggregate classification (germline): Benign. Review status: criteria provided, multiple submitters, no conflicts (2 of 4 stars). 5 submissions from 5 submitters: Benign (5). Last evaluated 2026-02-04.

Allele frequency attached by ClinVar (database versions not stated): 1000 Genomes Project 0.84026; 1000 Genomes Project 30x 0.84135; gnomAD exomes 0.85449; ExAC 0.86099; TOPMed 0.87730; gnomAD 0.88068 and 0.88630; ESP Exome Variant Server 0.89243.
gnomAD v4.1: 1,399,027 of 1,603,298 alleles (87%); highest among the groups gnomAD compares: African/African-American, 93%; 612,123 homozygotes.

Submissions (5):

Labcorp Genetics (formerly Invitae), Labcorp
Classification: Benign. Last evaluated: 2026-02-04. Review status: criteria provided, single submitter. Criteria: Invitae Variant Classification Sherloc (09022015). Collection method: clinical testing. Allele origin: germline.

Blueprint Genetics
Classification: Benign. Last evaluated: 2024-11-27. Review status: criteria provided, single submitter. Criteria: ACMG Guidelines, 2015. Collection method: clinical testing. Allele origin: germline.

Mayo Clinic Laboratories, Mayo Clinic
Classification: Benign. Last evaluated: 2022-09-06. Review status: criteria provided, single submitter. Criteria: ACMG Guidelines, 2015. Collection method: clinical testing. Allele origin: germline. Observed: 612 variant alleles.

Laboratory for Molecular Medicine, Mass General Brigham Personalized Medicine
Classification: Benign. Last evaluated: 2016-03-28. Review status: criteria provided, single submitter. Criteria: LMM Criteria. Collection method: clinical testing. Allele origin: germline.
Comment: Variant identified in a genome or exome case(s) and assessed due to predicted null impact of the variant or pathogenic assertions in the literature or databases. Disclaimer: This variant has not undergone full assessment. The following are preliminary notes: Frequency

Breakthrough Genomics
Classification: Benign. Review status: criteria provided, single submitter. Criteria: ACMG Guidelines, 2015. Collection method: not provided. Allele origin: germline. Inheritance: Autosomal recessive inheritance. Affected: yes.

NM_000452.3(SLC10A2):c.511T>G (p.Ser171Ala)

Gene: SLC10A2 (solute carrier family 10 member 2; minus strand). Cytogenetic location: 13q33.1.
Variant type: single nucleotide variant.
Coding change: c.511T>G on transcript NM_000452.3 (MANE Select); coding-DNA position 511, T replaced by G.
Protein change: p.Ser171Ala; replaces serine 171 with alanine.
Molecular consequence: missense variant.
Genome position (GRCh38, 1-based): chr13:103,052,694, A>C on the plus strand (T>G on the coding strand, the complement: SLC10A2 is on the minus strand). VCF-style: chr13-103052694-A-C. GRCh37 (hg19) VCF-style: chr13-103705044-A-C.
Other names: p.Ser171Ala; short protein forms S171A.
Identifiers: ClinVar variation 403446 (VCV000403446.12), dbSNP rs188096, ClinGen allele CA7042175.